The following is an entry in ClinVar:

ClinVar aggregate classification (germline): Uncertain significance. Review status: criteria provided, multiple submitters, no conflicts (2 of 4 stars). 2 submissions from 2 submitters: Uncertain significance (2). Last evaluated 2025-08-24.

Conditions:
Primary ciliary dyskinesia. Also called: Ciliary dyskinesia. Identifiers: Orphanet 244, MedGen C0008780, MONDO:0016575, HP:0012265.

Allele frequency attached by ClinVar (database versions not stated): ExAC 0.00002; ESP Exome Variant Server 0.00008.
gnomAD v4.1: 20 of 1,614,102 alleles (0.0012%); highest among the groups gnomAD compares: Admixed American, 0.0067%; no homozygotes.

Submissions (2):

Ambry Genetics
Classification: Uncertain significance for Primary ciliary dyskinesia. Last evaluated: 2025-08-24. Review status: criteria provided, single submitter. Criteria: Ambry Variant Classification Scheme 2023. Collection method: clinical testing. Allele origin: germline.

Labcorp Genetics (formerly Invitae), Labcorp
Classification: Uncertain significance for Primary ciliary dyskinesia. Last evaluated: 2023-06-23. Review status: criteria provided, single submitter. Criteria: Invitae Variant Classification Sherloc (09022015). Collection method: clinical testing. Allele origin: germline.
Comment: This sequence change replaces arginine, which is basic and polar, with histidine, which is basic and polar, at codon 139 of the RSPH9 protein (p.Arg139His). In summary, the available evidence is currently insufficient to determine the role of this variant in disease. Therefore, it has been classified as a Variant of Uncertain Significance. An algorithm developed to predict the effect of missense changes on protein structure and function (PolyPhen-2) suggests that this variant is likely to be disruptive. This variant has not been reported in the literature in individuals affected with RSPH9-related conditions. This variant is present in population databases (rs142363099, gnomAD 0.01%).

NM_152732.5(RSPH9):c.416G>A (p.Arg139His)

Gene: RSPH9 (radial spoke head component 9; plus strand). Cytogenetic location: 6p21.1.
Variant type: single nucleotide variant.
Coding change: c.416G>A on transcript NM_152732.5 (MANE Select); coding-DNA position 416, G replaced by A.
Protein change: p.Arg139His; replaces arginine 139 with histidine.
Molecular consequence: missense variant. On other transcripts: non-coding transcript variant (2), intron variant (2).
Genome position (GRCh38, 1-based): chr6:43,655,584, G>A. VCF-style: chr6-43655584-G-A. GRCh37 (hg19) VCF-style: chr6-43623321-G-A.
Other names: c.394-23G>A (NM_001193341.2, NM_001424120.1); c.416G>A, p.Arg139His (NM_001424119.1, NM_001424121.1); c.416G>A (NM_152732.4); short protein forms R139H.
Identifiers: ClinVar variation 2725744 (VCV002725744.2), dbSNP rs142363099, ClinGen allele CA3828297.